The following is an entry in ClinVar:

NM_001365951.3(KIF1B):c.4142T>G (p.Ile1381Ser)

Gene: KIF1B (kinesin family member 1B; plus strand). Cytogenetic location: 1p36.22.
Variant type: single nucleotide variant.
Coding change: c.4142T>G on transcript NM_001365951.3 (MANE Select); coding-DNA position 4142, T replaced by G.
Protein change: p.Ile1381Ser; replaces isoleucine 1381 with serine.
Molecular consequence: missense variant.
Genome position (GRCh38, 1-based): chr1:10,361,015, T>G. VCF-style: chr1-10361015-T-G. GRCh37 (hg19) VCF-style: chr1-10421073-T-G.
Other names: c.4142T>G, p.Ile1381Ser (NM_001365952.1); c.4004T>G, p.Ile1335Ser (NM_015074.3); short protein forms I1335S, I1381S.
Identifiers: ClinVar variation 1736959 (VCV001736959.3), dbSNP rs2521878564, ClinGen allele CA338316514.

ClinVar aggregate classification (germline): Uncertain significance (1 of 4 stars; one submission).

Allele frequency attached by ClinVar (database versions not stated): gnomAD exomes below 0.00001.

Submission:

Ambry Genetics
Classification: Uncertain significance. Last evaluated: 2025-04-13. Review status: criteria provided, single submitter. Criteria: Ambry Variant Classification Scheme 2023. Collection method: clinical testing. Allele origin: germline.
Comment: The p.I1335S variant (also known as c.4004T>G), located in coding exon 36 of the KIF1B gene, results from a T to G substitution at nucleotide position 4004. The isoleucine at codon 1335 is replaced by serine, an amino acid with dissimilar properties. This amino acid position is highly conserved in available vertebrate species. In addition, this alteration is predicted to be deleterious by in silico analysis. Since supporting evidence is limited at this time, the clinical significance of this alteration remains unclear.